The following is an entry in ClinVar:

NM_006214.4(PHYH):c.581C>T (p.Thr194Met)

Gene: PHYH (phytanoyl-CoA 2-hydroxylase; minus strand). Cytogenetic location: 10p13.
Variant type: single nucleotide variant.
Coding change: c.581C>T on transcript NM_006214.4 (MANE Select); coding-DNA position 581, C replaced by T.
Protein change: p.Thr194Met; replaces threonine 194 with methionine.
Molecular consequence: missense variant. On other transcripts: intron variant (1).
Genome position (GRCh38, 1-based): chr10:13,288,457, G>A on the plus strand (C>T on the coding strand, the complement: PHYH is on the minus strand). VCF-style: chr10-13288457-G-A. GRCh37 (hg19) VCF-style: chr10-13330457-G-A.
Other names: p.Thr194Met; c.281C>T, p.Thr94Met (NM_001037537.2, NM_001323080.2); c.587C>T, p.Thr196Met (NM_001323082.2); c.287C>T, p.Thr96Met (NM_001323084.2); c.415-4618C>T (NM_001323083.2); short protein forms T194M, T96M, T196M, T94M.
Identifiers: ClinVar variation 299252 (VCV000299252.14), dbSNP rs141554572, ClinGen allele CA5412310.

ClinVar aggregate classification (germline): Uncertain significance. Review status: criteria provided, multiple submitters, no conflicts (2 of 4 stars). 5 submissions from 5 submitters: Uncertain significance (4). 1 of the submissions does not count toward it. Last evaluated 2024-12-24.

Conditions:
Retinal dystrophy. Also called: Inherited retinal dystrophy. Identifiers: Orphanet 71862, MedGen C0854723, MeSH D058499, MONDO:0019118, HP:0000556.
Refsum disease, classic. Also called: HEREDOPATHIA ATACTICA POLYNEURITIFORMIS; HMSN IV; PHYTANIC ACID OXIDASE DEFICIENCY; PHYH-Related Refsum Disease. Identifiers: Orphanet 773, MedGen C5780941, MONDO:1060256, OMIM 266500. Disease mechanism: loss of function.

Allele frequency attached by ClinVar (database versions not stated): TOPMed 0.00018; ExAC 0.00015; ESP Exome Variant Server 0.00015; gnomAD exomes 0.00019.

Submissions (5):

Mayo Clinic Laboratories, Mayo Clinic
Classification: Uncertain significance. Last evaluated: 2024-12-24. Review status: criteria provided, single submitter. Criteria: ACMG Guidelines, 2015. Collection method: clinical testing. Allele origin: germline. Observed: 3 variant alleles.
Comment: PP3, PM2_moderate

Blueprint Genetics
Classification: Uncertain significance. Last evaluated: 2024-11-25. Review status: criteria provided, single submitter. Criteria: ACMG Guidelines, 2015. Collection method: clinical testing. Allele origin: germline.

Labcorp Genetics (formerly Invitae), Labcorp
Classification: Uncertain significance. Last evaluated: 2022-09-02. Review status: criteria provided, single submitter. Criteria: Invitae Variant Classification Sherloc (09022015). Collection method: clinical testing. Allele origin: germline.
Comment: This sequence change replaces threonine, which is neutral and polar, with methionine, which is neutral and non-polar, at codon 194 of the PHYH protein (p.Thr194Met). This variant is present in population databases (rs141554572, gnomAD 0.03%). This variant has not been reported in the literature in individuals affected with PHYH-related conditions. ClinVar contains an entry for this variant (Variation ID: 299252). Algorithms developed to predict the effect of missense changes on protein structure and function (SIFT, PolyPhen-2, Align-GVGD) all suggest that this variant is likely to be disruptive. In summary, the available evidence is currently insufficient to determine the role of this variant in disease. Therefore, it has been classified as a Variant of Uncertain Significance.

Illumina Laboratory Services, Illumina
Classification: Uncertain significance for Refsum disease, classic. Last evaluated: 2018-01-13. Review status: criteria provided, single submitter. Criteria: ICSL Variant Classification Criteria 13 December 2019. Collection method: clinical testing. Allele origin: germline.

Institute of Human Genetics, Univ. Regensburg, Univ. Regensburg
Classification: Uncertain significance for Retinal dystrophy. Last evaluated: 2022-01-01. Review status: no assertion criteria provided. Criteria: ACMG Guidelines, 2015. Collection method: clinical testing. Allele origin: germline. Affected: yes. Not counted in ClinVar's aggregate classification.